The following is an entry in ClinVar:

NM_001082538.3(TCTN1):c.1332-88C>T

Gene: TCTN1 (tectonic family member 1; plus strand). Cytogenetic location: 12q24.11.
Variant type: single nucleotide variant.
Coding change: c.1332-88C>T on transcript NM_001082538.3 (MANE Select); 88 bases into the intron before coding-DNA position 1332, C replaced by T.
Molecular consequence: intron variant.
Genome position (GRCh38, 1-based): chr12:110,644,879, C>T. VCF-style: chr12-110644879-C-T. GRCh37 (hg19) VCF-style: chr12-111082684-C-T.
Other names: c.1164-88C>T (NM_001173975.3); c.1011-94C>T (NM_001173976.2); c.798-88C>T (NM_001319681.2); c.1290-88C>T (NM_024549.6); c.1332-88C>T (NM_001082537.3); c.1191-94C>T (NM_001319680.2).
Identifiers: ClinVar variation 675110 (VCV000675110.2), dbSNP rs185519065, ClinGen allele CA243568033.

ClinVar aggregate classification (germline): Likely benign. Review status: criteria provided, multiple submitters, no conflicts (2 of 4 stars). 2 submissions from 2 submitters: Likely benign (2). Last evaluated 2018-06-19.

Allele frequency attached by ClinVar (database versions not stated): 1000 Genomes Project 0.00339; 1000 Genomes Project 30x 0.00344; TOPMed 0.00598; gnomAD 0.00691 and 0.00694; gnomAD exomes 0.00914.
gnomAD v4.1: 13,732 of 1,558,656 alleles (0.88%); highest among the groups gnomAD compares: Non-Finnish European, 1%; 69 homozygotes.

Submissions (2):

GeneDx
Classification: Likely benign. Last evaluated: 2018-06-19. Review status: criteria provided, single submitter. Criteria: GeneDx Variant Classification (06012015). Collection method: clinical testing. Allele origin: germline. Affected: yes.
Comment: This variant is considered likely benign or benign based on one or more of the following criteria: it is a conservative change, it occurs at a poorly conserved position in the protein, it is predicted to be benign by multiple in silico algorithms, and/or has population frequency not consistent with disease.

Breakthrough Genomics
Classification: Likely benign. Review status: criteria provided, single submitter. Criteria: ACMG Guidelines, 2015. Collection method: not provided. Allele origin: germline. Inheritance: Autosomal recessive inheritance. Affected: yes.